The following is an entry in ClinVar:

NM_022124.6(CDH23):c.3670A>G (p.Ile1224Val)

Genes: C10orf105 (chromosome 10 open reading frame 105; minus strand), CDH23 (cadherin related 23; plus strand). Cytogenetic location: 10q22.1.
Variant type: single nucleotide variant.
Coding change: c.3670A>G on transcript NM_022124.6 (MANE Select); coding-DNA position 3670, A replaced by G.
Protein change: p.Ile1224Val; replaces isoleucine 1224 with valine.
Molecular consequence: missense variant. On other transcripts: intron variant (1).
Genome position (GRCh38, 1-based): chr10:71,730,559, A>G. VCF-style: chr10-71730559-A-G. GRCh37 (hg19) VCF-style: chr10-73490316-A-G.
Other names: c.3670A>G, p.Ile1224Val (NM_001171930.2); c.-6+7169T>C (NM_001168390.2); short protein forms I1224V.
Identifiers: ClinVar variation 1971191 (VCV001971191.5), dbSNP rs1327565968, ClinGen allele CA377154662.

ClinVar aggregate classification (germline): Uncertain significance (1 of 4 stars; one submission).

Allele frequency attached by ClinVar (database versions not stated): gnomAD exomes below 0.00001; TOPMed below 0.00001.
gnomAD v4.1: 2 of 1,613,922 alleles (0.00012%); highest among the groups gnomAD compares: Admixed American, 0.0017%; no homozygotes.

Submission:

Labcorp Genetics (formerly Invitae), Labcorp
Classification: Uncertain significance. Last evaluated: 2022-07-06. Review status: criteria provided, single submitter. Criteria: Invitae Variant Classification Sherloc (09022015). Collection method: clinical testing. Allele origin: germline.
Comment: In summary, the available evidence is currently insufficient to determine the role of this variant in disease. Therefore, it has been classified as a Variant of Uncertain Significance. Algorithms developed to predict the effect of missense changes on protein structure and function output the following: SIFT: "Tolerated"; PolyPhen-2: "Not Available"; Align-GVGD: "Class C0". The valine amino acid residue is found in multiple mammalian species, which suggests that this missense change does not adversely affect protein function. This variant has not been reported in the literature in individuals affected with CDH23-related conditions. This variant is not present in population databases (gnomAD no frequency). This sequence change replaces isoleucine, which is neutral and non-polar, with valine, which is neutral and non-polar, at codon 1224 of the CDH23 protein (p.Ile1224Val).